The following is an entry in ClinVar:

NM_001080.3(ALDH5A1):c.*814G>T

Gene: ALDH5A1 (aldehyde dehydrogenase 5 family member A1; plus strand). Cytogenetic location: 6p22.3.
Variant type: single nucleotide variant.
Coding change: c.*814G>T on transcript NM_001080.3 (MANE Select); 814 bases downstream of the stop codon, G replaced by T.
Molecular consequence: 3 prime UTR variant.
Genome position (GRCh38, 1-based): chr6:24,534,526, G>T. VCF-style: chr6-24534526-G-T. GRCh37 (hg19) VCF-style: chr6-24534754-G-T.
Other names: c.*814G>T (NM_001368954.1, NM_170740.1).
Identifiers: ClinVar variation 906569 (VCV000906569.4), dbSNP rs9461036, ClinGen allele CA136114584.

ClinVar aggregate classification (germline): Benign (1 of 4 stars; one submission).

Conditions:
Succinate-semialdehyde dehydrogenase deficiency (SSADHD). Also called: Succinic Semialdehyde Dehydrogenase Deficiency; 4-HYDROXYBUTYRIC ACIDURIA; GABA METABOLIC DEFECT; SSADH DEFICIENCY. Identifiers: Orphanet 22, MedGen C0268631, MONDO:0010083, OMIM 271980.

Allele frequency attached by ClinVar (database versions not stated): 1000 Genomes Project 0.00679; 1000 Genomes Project 30x 0.00750; gnomAD 0.00791 and 0.00853; TOPMed 0.00871.

Submission:

Illumina Laboratory Services, Illumina
Classification: Benign for Succinate-semialdehyde dehydrogenase deficiency. Last evaluated: 2017-04-27. Review status: criteria provided, single submitter. Criteria: ICSL Variant Classification Criteria 13 December 2019. Collection method: clinical testing. Allele origin: germline.
Comment: This variant was observed as part of a predisposition screen in an ostensibly healthy population. A literature search was performed for the gene, cDNA change, and amino acid change (where applicable). No publications were found based on this search. Allele frequency data from public databases was too high to be consistent with this variant causing disease. Therefore, this variant is classified as benign.